The following is an entry in ClinVar:

NM_000059.4(BRCA2):c.7213G>C (p.Val2405Leu)

Gene: BRCA2 (BRCA2 DNA repair associated; plus strand). Cytogenetic location: 13q13.1.
Variant type: single nucleotide variant.
Coding change: c.7213G>C on transcript NM_000059.4 (MANE Select); coding-DNA position 7213, G replaced by C.
Protein change: p.Val2405Leu; replaces valine 2405 with leucine.
Molecular consequence: missense variant.
Genome position (GRCh38, 1-based): chr13:32,355,066, G>C. VCF-style: chr13-32355066-G-C. GRCh37 (hg19) VCF-style: chr13-32929203-G-C.
Other names: short protein forms V2405L.
Identifiers: ClinVar variation 531368 (VCV000531368.15), dbSNP rs1555286046, ClinGen allele CA387740008.

ClinVar aggregate classification (germline): Uncertain significance. Review status: criteria provided, multiple submitters, no conflicts (2 of 4 stars). 6 submissions from 6 submitters: Uncertain significance (6). Last evaluated 2025-06-12.

Conditions:
Hereditary breast ovarian cancer syndrome. Also called: Hereditary breast and ovarian cancer syndrome (HBOC); BRCA1- and BRCA2-Associated Hereditary Breast and Ovarian Cancer; Hereditary breast and ovarian cancer syndrome; Breast and ovarian cancer; Hereditary breast and ovarian cancer; Hereditary breast and/or ovarian cancer syndrome. Identifiers: Orphanet 145, MedGen C0677776, MeSH D061325, MONDO:0003582. Disease mechanism: loss of function.
Hereditary cancer-predisposing syndrome. Also called: Hereditary neoplastic syndrome; Neoplastic Syndromes, Hereditary; Tumor predisposition; Hereditary Cancer Syndrome. Identifiers: Orphanet 140162, MedGen C0027672, MeSH D009386, MONDO:0015356.
BRCA2-related cancer predisposition. Identifiers: MedGen CN377758, MONDO:0700269.
Familial cancer of breast. Also called: BREAST CANCER, FAMILIAL; hereditary breast carcinoma; Hereditary breast cancer. Identifiers: Orphanet 227535, MedGen C0346153, MONDO:0016419, OMIM 114480. Disease mechanism: loss of function.

Allele frequency attached by ClinVar (database versions not stated): TOPMed below 0.00001.

Submissions (6):

Ambry Genetics
Classification: Uncertain significance for Hereditary cancer-predisposing syndrome. Last evaluated: 2025-06-12. Review status: criteria provided, single submitter. Criteria: Ambry Variant Classification Scheme 2023. Collection method: clinical testing. Allele origin: germline.
Comment: The p.V2405L variant (also known as c.7213G>C), located in coding exon 13 of the BRCA2 gene, results from a G to C substitution at nucleotide position 7213. The valine at codon 2405 is replaced by leucine, an amino acid with highly similar properties. This amino acid position is well conserved in available vertebrate species. In addition, the in silico prediction for this alteration is inconclusive. Based on the available evidence, the clinical significance of this variant remains unclear.

All of Us Research Program, National Institutes of Health
Classification: Uncertain significance for BRCA2-related cancer predisposition. Last evaluated: 2024-05-30. Review status: criteria provided, single submitter. Criteria: ACMG Guidelines, 2015. Collection method: clinical testing. Allele origin: germline. Inheritance: Autosomal dominant inheritance. Observed: 1 variant allele, 1 heterozygote.
Comment: This missense variant replaces valine with leucine at codon 2405 of the BRCA2 protein. Computational prediction suggests that this variant may not impact protein structure and function. To our knowledge, functional studies have not been reported for this variant. This variant has been reported in an individual affected with breast cancer (PMID: 33646313). This variant has not been identified in the general population by the Genome Aggregation Database (gnomAD). The available evidence is insufficient to determine the role of this variant in disease conclusively. Therefore, this variant is classified as a Variant of Uncertain Significance.

This study involves interpretation of variants in research participants for the purpose of population health screening. Participant phenotype was not available at the time of variant classification. Additional details can be found in publication PMID: 35346344, PMCID: PMC8962531

Baylor Genetics
Classification: Uncertain significance for Familial cancer of breast. Last evaluated: 2023-09-22. Review status: criteria provided, single submitter. Criteria: ACMG Guidelines, 2015. Collection method: clinical testing. Allele origin: unknown.

Quest Diagnostics Nichols Institute San Juan Capistrano
Classification: Uncertain significance. Last evaluated: 2023-08-10. Review status: criteria provided, single submitter. Criteria: Quest Diagnostics criteria. Collection method: clinical testing. Allele origin: unknown.
Comment: In the published literature, this variant has been reported in an individual with breast cancer (PMID: 33646313 (2021)). This variant has not been reported in large, multi-ethnic general populations (Genome Aggregation Database). Analysis of this variant using bioinformatics tools for the prediction of the effect of amino acid changes on protein structure and function yielded predictions that this variant is benign. Based on the available information, we are unable to determine the clinical significance of this variant.

Labcorp Genetics (formerly Invitae), Labcorp
Classification: Uncertain significance for Hereditary breast ovarian cancer syndrome. Last evaluated: 2022-01-12. Review status: criteria provided, single submitter. Criteria: Invitae Variant Classification Sherloc (09022015). Collection method: clinical testing. Allele origin: germline.
Comment: In summary, the available evidence is currently insufficient to determine the role of this variant in disease. Therefore, it has been classified as a Variant of Uncertain Significance. Advanced modeling of protein sequence and biophysical properties (such as structural, functional, and spatial information, amino acid conservation, physicochemical variation, residue mobility, and thermodynamic stability) performed at Invitae indicates that this missense variant is not expected to disrupt BRCA2 protein function. ClinVar contains an entry for this variant (Variation ID: 531368). This variant has not been reported in the literature in individuals affected with BRCA2-related conditions. This variant is not present in population databases (gnomAD no frequency). This sequence change replaces valine, which is neutral and non-polar, with leucine, which is neutral and non-polar, at codon 2405 of the BRCA2 protein (p.Val2405Leu).

Women's Health and Genetics/Laboratory Corporation of America, LabCorp
Classification: Uncertain significance. Last evaluated: 2021-11-15. Review status: criteria provided, single submitter. Criteria: LabCorp Variant Classification Summary - May 2015. Collection method: clinical testing. Allele origin: germline.
Comment: Variant summary: BRCA2 c.7213G>C (p.Val2405Leu) results in a conservative amino acid change in the encoded protein sequence. Four of five in-silico tools predict a benign effect of the variant on protein function. The variant was absent in 251306 control chromosomes, however the available data on variant occurrences in the general population are insufficient to allow any conclusion about variant significance. c.7213G>C has been reported in the literature in one individual affected with Hereditary Breast And Ovarian Cancer Syndrome (George_2021). This report does not provide unequivocal conclusions about association of the variant with Hereditary Breast And Ovarian Cancer Syndrome. To our knowledge, no experimental evidence demonstrating an impact on protein function has been reported. Two clinical diagnostic laboratories have submitted clinical-significance assessments for this variant to ClinVar after 2014 without evidence for independent evaluation. Both laboratories classified the variant as uncertain significance. Based on the evidence outlined above, the variant was classified as uncertain significance.

Literature cited by the submitters: PubMed 33646313 (cited by 4 submitters).